The following is an entry in ClinVar:

NM_001267550.2(TTN):c.32135_32136dup (p.Val10713fs)

Gene: TTN (titin; minus strand). Cytogenetic location: 2q31.2.
Variant type: Duplication.
Coding change: c.32135_32136dup on transcript NM_001267550.2 (MANE Select); coding-DNA positions 32135 to 32136, 2 bases duplicated (TT; older notation c.32135_32136dupTT).
Protein change: p.Val10713fs; shifts the reading frame from valine 10713.
Molecular consequence: frameshift variant. On other transcripts: intron variant (3).
Genome position (GRCh38, 1-based): chr2:178,688,738-178,688,739, AA duplicated on the plus strand (TT on the coding strand, the reverse complement: TTN is on the minus strand); duplicating any 2 consecutive bases within chr2:178,688,738-178,688,740 gives the same sequence; the c. name uses the placement nearest the transcript's 3' end. VCF-style (leftmost placement, unchanged base first): chr2-178688737-C-CAA. GRCh37 (hg19) VCF-style: chr2-179553464-C-CAA.
Other names: c.28403_28404dup, p.Val9469fs (NM_133378.4); c.13283-46422_13283-46421dup (NM_003319.4); c.13859-46422_13859-46421dup (NM_133437.4); c.13658-46422_13658-46421dup (NM_133432.3); c.31184_31185dup, p.Val10396fs (NM_001256850.1); short protein forms V10713fs, V10396fs, V9469fs.
Identifiers: ClinVar variation 2000236 (VCV002000236.4), dbSNP rs1452126817, ClinGen allele CA761297506.

ClinVar aggregate classification (germline): Likely pathogenic (1 of 4 stars; one submission).

Conditions:
Dilated cardiomyopathy 1G (CMD1G). Identifiers: Orphanet 154, MedGen C1858763, MONDO:0011400, OMIM 604145.
Autosomal recessive limb-girdle muscular dystrophy type 2J (LGMDR10). Also called: Limb-girdle muscular dystrophy, type 2J; MUSCULAR DYSTROPHY, LIMB-GIRDLE, AUTOSOMAL RECESSIVE 10. Identifiers: Orphanet 140922, MedGen C1837342, MONDO:0012127, OMIM 608807.

Submission:

Labcorp Genetics (formerly Invitae), Labcorp
Classification: Likely pathogenic for Dilated cardiomyopathy 1G; Autosomal recessive limb-girdle muscular dystrophy type 2J. Last evaluated: 2024-11-28. Review status: criteria provided, single submitter. Criteria: Invitae Variant Classification Sherloc (09022015). Collection method: clinical testing. Allele origin: germline.
Comment: This sequence change creates a premature translational stop signal (p.Val10713Leufs*60) in the TTN gene. While this is not anticipated to result in nonsense mediated decay, it is expected to create a truncated TTN protein. This variant is not present in population databases (gnomAD no frequency). This variant has not been reported in the literature in individuals affected with TTN-related conditions. ClinVar contains an entry for this variant (Variation ID: 2000236). This variant is located in the I band of TTN (PMID: 25589632). Truncating variants in this region have been reported in individuals affected with autosomal recessive centronuclear myopathy (PMID: 23975875, internal data). Truncating variants in this region have also been identified in individuals affected with autosomal dominant dilated cardiomyopathy and/or cardio-related conditions (PMID: 27869827, 32964742, internal data). In summary, the currently available evidence indicates that the variant is pathogenic, but additional data are needed to prove that conclusively. Therefore, this variant has been classified as Likely Pathogenic.

Literature cited by the submitters: PubMed 25589632; PubMed 23975875; PubMed 27869827; PubMed 32964742.